The following is an entry in ClinVar:

ClinVar aggregate classification (germline): Pathogenic. Review status: criteria provided, multiple submitters, no conflicts (2 of 4 stars). 13 submissions from 13 submitters: Pathogenic (11). 2 of the submissions do not count toward it. Last evaluated 2026-08-21.

Conditions:
Cardiovascular phenotype. Identifiers: MedGen CN230736.
Osteogenesis imperfecta (OI). Identifiers: Orphanet 666, MedGen C0029434, MeSH D010013, MONDO:0019019.
Osteogenesis imperfecta type III (OI3). Also called: Osteogenesis imperfecta type 3; OI type 3; Osteogenesis imperfecta, progressively deforming with normal sclerae; OI type III; Progressively Deforming Osteogenesis Imperfecta. Identifiers: Orphanet 216812, Orphanet 666, MedGen C0268362, MONDO:0009804, OMIM 259420.
Osteogenesis imperfecta type I (OI1). Also called: Osteogenesis imperfecta type 1; OI, TYPE I; OSTEOGENESIS IMPERFECTA TARDA; OSTEOGENESIS IMPERFECTA WITH BLUE SCLERAE; Lobstein disease; Classic Non-deforming Osteogenesis Imperfecta with Blue Sclerae. Identifiers: Orphanet 216796, Orphanet 666, MedGen C0023931, MONDO:0008146, OMIM 166200. Disease mechanism: loss of function.
Osteogenesis imperfecta with normal sclerae, dominant form (OI4). Also called: Osteogenesis imperfecta type 4; OSTEOGENESIS IMPERFECTA WITH NORMAL SCLERAE; Osteogenesis Imperfecta Type IV; Common Variable Osteogenesis Imperfecta with Normal Sclerae; OSTEOGENESIS IMPERFECTA, TYPE IV, WITH DENTINOGENESIS IMPERFECTA. Identifiers: Orphanet 216820, Orphanet 666, MedGen C0268363, MONDO:0008148, OMIM 166220.

Allele frequency attached by ClinVar (database versions not stated): gnomAD 0.00001.
gnomAD v4.1: 1 of 1,613,864 alleles (0.000062%); highest among the groups gnomAD compares: Admixed American, 0.0017%; no homozygotes.

Submissions (13):

Institute of Human Genetics, University of Leipzig Medical Center
Classification: Pathogenic for Osteogenesis imperfecta with normal sclerae, dominant form. Last evaluated: 2026-08-21. Review status: criteria provided, single submitter. Criteria: ACMG Guidelines, 2015. Collection method: clinical testing. Allele origin: unknown. Inheritance: Autosomal dominant inheritance. Affected: yes.
Comment: Criteria applied: PVS1,PS4,PM2_SUP

Ambry Genetics
Classification: Pathogenic for Cardiovascular phenotype. Last evaluated: 2025-08-15. Review status: criteria provided, single submitter. Criteria: Ambry Variant Classification Scheme 2023. Collection method: clinical testing. Allele origin: germline.
Comment: The c.3421C>T (p.R1141*) alteration, located in exon 46 (coding exon 46) of the COL1A1 gene, consists of a C to T substitution at nucleotide position 3421. This changes the amino acid from a arginine (R) to a stop codon at amino acid position 1141. This alteration is expected to result in loss of function by premature protein truncation or nonsense-mediated mRNA decay. for COL1A1-related OI/ overlap disorder; however, its clinical significance for Caffey disease and COL1A1-related Ehlers-Danlos syndrome is uncertain. This variant was not reported in population-based cohorts in the Genome Aggregation Database (gnomAD). This variant was reported in individual(s) with features consistent with COL1A1-related osteogenesis imperfecta/overlap disorder; in at least one individual, it was determined to be de novo (K&ouml;rkk&ouml;, 1997; Higuchi, 2021; Lin, 2024) Based on the available evidence, this alteration is classified as pathogenic.

Labcorp Genetics (formerly Invitae), Labcorp
Classification: Pathogenic for Osteogenesis imperfecta type I. Last evaluated: 2025-07-29. Review status: criteria provided, single submitter. Criteria: Invitae Variant Classification Sherloc (09022015). Collection method: clinical testing. Allele origin: germline.
Comment: This sequence change creates a premature translational stop signal (p.Arg1141*) in the COL1A1 gene. It is expected to result in an absent or disrupted protein product. Loss-of-function variants in COL1A1 are known to be pathogenic (PMID: 7942841, 9295084, 9443882). This variant is not present in population databases (gnomAD no frequency). This premature translational stop signal has been observed in individual(s) with osteogenesis imperfecta (PMID: 7942841, 9067755, 16705691, 28378289). ClinVar contains an entry for this variant (Variation ID: 17337). For these reasons, this variant has been classified as Pathogenic.

Clinical Biomedical Laboratory, Shriners Hospital For Children - Canada
Classification: Pathogenic for Osteogenesis imperfecta type I. Last evaluated: 2025-07-16. Review status: criteria provided, single submitter. Criteria: ACMG Guidelines, 2015. Collection method: clinical testing. Allele origin: germline. Affected: yes.
Comment: This variant is predicted to introduce a premature stop codon in exon 46 of COL1A1 and is expected to lead to degradation of the affected transcript. This variant is absent in the Genome Aggregation Database (v2.1.1).

GeneDx
Classification: Pathogenic. Last evaluated: 2025-03-05. Review status: criteria provided, single submitter. Criteria: GeneDx Variant Classification Process June 2021. Collection method: clinical testing. Allele origin: germline. Affected: yes.
Comment: Nonsense variant predicted to result in protein truncation or nonsense mediated decay in a gene for which loss of function is a known mechanism of disease; Not observed at significant frequency in large population cohorts (gnomAD); This variant is associated with the following publications: (PMID: 7942841, 37270749, 35909573, 34902613, 36896471, 9067755, 25525159, 35154279, 26863094, 25436829, 16879195, 25214535, 28882457, 18311573, 28378289, 16705691, 32123938, 33939306, 35044492, 37810882, 38702915)

ARUP Laboratories, Molecular Genetics and Genomics, ARUP Laboratories
Classification: Pathogenic. Last evaluated: 2023-10-13. Review status: criteria provided, single submitter. Criteria: ARUP Molecular Germline Variant Investigation Process 2024. Collection method: clinical testing. Allele origin: germline.
Comment: The COL1A1 c.3421C>T; p.Arg1141Ter variant (rs72656314) is reported in the literature in individuals affected with osteogenesis imperfecta (Balasubramanian 2016, Bardai 2017, Chen 2022, Higuchi 1994, Mei 2022, Tuysuz 2022, Willing 1994). This variant is also reported in ClinVar (Variation ID: 17337), but is absent from the Genome Aggregation Database, indicating it is not a common polymorphism. This variant induces an early termination codon and is predicted to result in a truncated protein or mRNA subject to nonsense-mediated decay. Based on available information, this variant is considered to be pathogenic. References: Balasubramanian M et al. Osteogenesis imperfecta: Ultrastructural and histological findings on examination of skin revealing novel insights into genotype-phenotype correlation. Ultrastruct Pathol. 2016;40(2):71-6. PMID: 26863094. Bardai G et al. Molecular diagnosis in children with fractures but no extraskeletal signs of osteogenesis imperfecta. Osteoporos Int. 2017 Jul;28(7):2095-2101. PMID: 28378289. Chen P et al. Phenotypic Spectrum and Molecular Basis in a Chinese Cohort of Osteogenesis Imperfecta With Mutations in Type I Collagen. Front Genet. 2022 Jan 28;13:816078. PMID: 35154279. Higuchi Y et al. Genetic analysis in Japanese patients with osteogenesis imperfecta: Genotype and phenotype spectra in 96 probands. Mol Genet Genomic Med. 2021 Jun;9(6):e1675. PMID: 33939306. Mei Y et al. Comparing Clinical and Genetic Characteristics of De Novo and Inherited COL1A1/COL1A2 Variants in a Large Chinese Cohort of Osteogenesis Imperfecta. Front Endocrinol (Lausanne). 2022 Jul 14;13:935905. PMID: 35909573. Tuysuz B et al. Osteogenesis imperfecta in 140 Turkish families: Molecular spectrum and, comparison of long-term clinical outcome of those with COL1A1/A2 and biallelic variants. Bone. 2022 Feb;155:116293. PMID: 34902613. Willing MC et al. Osteogenesis imperfecta type I: molecular heterogeneity for COL1A1 null alleles of type I collagen. Am J Hum Genet. 1994 Oct;55(4):638-47. PMID: 7942841.

3billion
Classification: Pathogenic for Osteogenesis imperfecta type III. Last evaluated: 2023-09-11. Review status: criteria provided, single submitter. Criteria: ACMG Guidelines, 2015. Collection method: clinical testing. Allele origin: germline. Affected: yes.
Comment: The variant is not observed in the gnomAD v2.1.1 dataset. Predicted Consequence/Location: Stop-gained (nonsense): predicted to result in a loss or disruption of normal protein function through nonsense-mediated decay (NMD) or protein truncation. Multiple pathogenic variants are reported downstream of the variant. The variant has been reported at least twice as pathogenic with clinical assertions and evidence for the classification (ClinVar ID: VCV000017337 /PMID: 7942841 /3billion dataset). Therefore, this variant is classified as Pathogenic according to the recommendation of ACMG/AMP guideline.

Revvity Omics, Revvity
Classification: Pathogenic. Last evaluated: 2023-01-23. Review status: criteria provided, single submitter. Criteria: ACMG Guidelines, 2015. Collection method: clinical testing. Allele origin: germline.

Genome Diagnostics Laboratory, The Hospital for Sick Children
Classification: Pathogenic for Osteogenesis imperfecta. Last evaluated: 2019-11-01. Review status: criteria provided, single submitter. Criteria: ACMG Guidelines, 2015. Collection method: clinical testing. Allele origin: germline.

CeGaT Center for Human Genetics Tuebingen
Classification: Pathogenic. Last evaluated: 2018-11-01. Review status: criteria provided, single submitter. Criteria: CeGaT Center For Human Genetics Tuebingen Variant Classification Criteria Version 2. Collection method: clinical testing. Allele origin: germline. Affected: yes. Observed: 1 variant allele.

Department of Human Genetics, Medical Research Institute, Alexandria University
Classification: Pathogenic for Osteogenesis imperfecta type I. Review status: criteria provided, single submitter. Criteria: ACMG Guidelines, 2015. Collection method: research. Allele origin: de novo. Affected: yes.

Clinical Molecular Genetics Laboratory, Johns Hopkins All Children's Hospital
Classification: Pathogenic for Osteogenesis imperfecta. Last evaluated: 2015-06-30. Review status: no assertion criteria provided. Collection method: clinical testing. Allele origin: germline. Affected: yes. Not counted in ClinVar's aggregate classification.

OMIM
Classification: Pathogenic for OSTEOGENESIS IMPERFECTA, TYPE I. Last evaluated: 1997-01-01. Review status: no assertion criteria provided. Collection method: literature only. Allele origin: germline. Not counted in ClinVar's aggregate classification.

Literature cited by the submitters: PubMed 9067755 (cited by 3 submitters); PubMed 33939306 (cited by Ambry Genetics); PubMed 37270749 (cited by Ambry Genetics); PubMed 7942841 (cited by 3 submitters); PubMed 9295084 (cited by Labcorp Genetics (formerly Invitae), Labcorp); PubMed 9443882 (cited by Labcorp Genetics (formerly Invitae), Labcorp); PubMed 16705691 (cited by Labcorp Genetics (formerly Invitae), Labcorp); PubMed 28378289 (cited by Labcorp Genetics (formerly Invitae), Labcorp).

NM_000088.4(COL1A1):c.3421C>T (p.Arg1141Ter)

Gene: COL1A1 (collagen type I alpha 1 chain; minus strand). Cytogenetic location: 17q21.33.
Variant type: single nucleotide variant.
Coding change: c.3421C>T on transcript NM_000088.4 (MANE Select); coding-DNA position 3421, C replaced by T.
Protein change: p.Arg1141Ter; replaces arginine 1141 with a stop codon.
Molecular consequence: nonsense.
Genome position (GRCh38, 1-based): chr17:50,187,486, G>A on the plus strand (C>T on the coding strand, the complement: COL1A1 is on the minus strand). VCF-style: chr17-50187486-G-A. GRCh37 (hg19) VCF-style: chr17-48264847-G-A.
Other names: R963*; short protein forms R1141*.
Identifiers: ClinVar variation 17337 (VCV000017337.71), dbSNP rs72656314, ClinGen allele CA281092.